The following is an entry in ClinVar:

ClinVar aggregate classification (germline): Benign/Likely benign. Review status: criteria provided, multiple submitters, no conflicts (2 of 4 stars). 3 submissions from 3 submitters: Benign (2); Likely benign (1). Last evaluated 2026-01-28.

Conditions:
Cardiomyopathy (CMYO). Also called: Cardiomyopathies. Identifiers: Orphanet 167848, MedGen C0878544, MONDO:0004994, HP:0001638. Inheritance: Various modes of inheritance.
Primary dilated cardiomyopathy (DCM). Also called: Dilated Cardiomyopathy. Identifiers: Orphanet 217604, MedGen C0007193, MeSH D002311, MONDO:0005021, HP:0001644. Inheritance: Various modes of inheritance.

Allele frequency attached by ClinVar (database versions not stated): gnomAD exomes 0.00037 and 0.00082; ExAC 0.00108; 1000 Genomes Project 30x 0.00141; 1000 Genomes Project 0.00180; gnomAD 0.00350 and 0.00380; ESP Exome Variant Server 0.00400; TOPMed 0.00404.
gnomAD v4.1: 1,090 of 1,614,198 alleles (0.068%); highest among the groups gnomAD compares: African/African-American, 1.2%; 9 homozygotes.

Submissions (3):

Labcorp Genetics (formerly Invitae), Labcorp
Classification: Benign for Primary dilated cardiomyopathy. Last evaluated: 2026-01-28. Review status: criteria provided, single submitter. Criteria: Invitae Variant Classification Sherloc (09022015). Collection method: clinical testing. Allele origin: germline.

CHEO Genetics Diagnostic Laboratory, Children's Hospital of Eastern Ontario
Classification: Likely benign for Cardiomyopathy. Last evaluated: 2015-10-16. Review status: criteria provided, single submitter. Criteria: ACMG Guidelines, 2015. Collection method: clinical testing. Allele origin: germline. Study: Canadian Open Genetics Repository.

Laboratory for Molecular Medicine, Mass General Brigham Personalized Medicine
Classification: Benign. Last evaluated: 2012-03-19. Review status: criteria provided, single submitter. Criteria: LMM Criteria. Collection method: clinical testing. Allele origin: germline. Observed: 6 variant alleles.
Comment: p.Thr107Thr in Exon 03 of FHL2: This variant is not expected to have clinical si gnificance because it does not alter an amino acid residue, is not located withi n the splice consensus sequence and has been identified in 1.2% (43/3738) of Afr ican American chromosomes from a broad population by the NHLBI Exome Sequencing Project (dbSNP rs139644436).

NM_001318895.3(FHL2):c.321C>T (p.Thr107=)

Genes: C2orf49 (chromosome 2 open reading frame 49; plus strand), FHL2 (four and a half LIM domains 2; minus strand). Cytogenetic location: 2q12.2.
Variant type: single nucleotide variant.
Coding change: c.321C>T on transcript NM_001318895.3 (MANE Select); coding-DNA position 321, C replaced by T.
Protein change: p.Thr107=; no amino-acid change (threonine 107 retained).
Molecular consequence: synonymous variant. On other transcripts: 5 prime UTR variant (1), intron variant (2).
Genome position (GRCh38, 1-based): chr2:105,373,569, G>A on the plus strand (C>T on the coding strand, the complement: FHL2 is on the minus strand). VCF-style: chr2-105373569-G-A. GRCh37 (hg19) VCF-style: chr2-105990026-G-A.
Other names: c.321C>T, p.Thr107= (NM_001039492.3, NM_001318894.1, NM_001318896.2 and 4 more transcripts); c.-4C>T (NM_001318899.2); c.-11-5830C>T (NM_001318897.2, NM_001318898.2).
Identifiers: ClinVar variation 48322 (VCV000048322.15), dbSNP rs139644436, ClinGen allele CA143172.
Genomic context (GRCh38, chr2:105,373,569, plus strand): 5'-AAGGCTTGAAGCTAGACTGGCTCACGCATGAGAAAGGAGTGCCTCCTGACCTGGCATGAT[G>A]GTCTTCTTGCATTCCTGGCACTTGGATGAGTACTCGTTGGAATAGCAGTCTGTACAGAGC-3'
Protein context (NP_001305824.1, residues 97-117): YSSKCQECKK[Thr107=]IMPGTRKMEY